The following is an entry in ClinVar:

ClinVar aggregate classification (germline): Pathogenic (1 of 4 stars; one submission).

Conditions:
Glycogen storage disease type III (GSD3). Also called: Cori disease; FORBES DISEASE. Identifiers: Orphanet 366, MedGen C0017922, MONDO:0009291, OMIM 232400.

Submission:

Labcorp Genetics (formerly Invitae), Labcorp
Classification: Pathogenic for Glycogen storage disease type III. Last evaluated: 2023-03-27. Review status: criteria provided, single submitter. Criteria: Invitae Variant Classification Sherloc (09022015). Collection method: clinical testing. Allele origin: germline.
Comment: This variant is not present in population databases (gnomAD no frequency). This sequence change creates a premature translational stop signal (p.Lys1038*) in the AGL gene. It is expected to result in an absent or disrupted protein product. Loss-of-function variants in AGL are known to be pathogenic (PMID: 19299494). This variant has not been reported in the literature in individuals affected with AGL-related conditions. For these reasons, this variant has been classified as Pathogenic.

Literature cited by the submitters: PubMed 19299494.

NM_000642.3(AGL):c.3110_3111dup (p.Lys1038Ter)

Gene: AGL (amylo-alpha-1,6-glucosidase and 4-alpha-glucanotransferase; plus strand). Cytogenetic location: 1p21.2.
Variant type: Microsatellite.
Coding change: c.3110_3111dup on transcript NM_000642.3 (MANE Select); coding-DNA positions 3110 to 3111, 2 bases duplicated (TG; older notation c.3110_3111dupTG).
Protein change: p.Lys1038Ter; replaces lysine 1038 with a stop codon.
Molecular consequence: nonsense. On other transcripts: frameshift variant (10).
Genome position (GRCh38, 1-based): chr1:99,892,458-99,892,459, TG duplicated; duplicating any 2 consecutive bases within chr1:99,892,456-99,892,459 gives the same sequence; the c. name uses the placement nearest the transcript's 3' end. VCF-style (leftmost placement, unchanged base first): chr1-99892455-T-TTG. GRCh37 (hg19) VCF-style: chr1-100358011-T-TTG.
Other names: c.3108_3109TG[3], p.Lys1038Terfs (NM_000028.3, NM_000643.3, NM_000644.3 and 1 more transcripts); c.3060_3061TG[3], p.Lys1022Terfs (NM_000646.3); c.3087_3088TG[3], p.Lys1031Terfs (NM_001425326.1); c.2907_2908TG[3], p.Lys971Terfs (NM_001425327.1); c.2904_2905TG[3], p.Lys970Terfs (NM_001425328.1); c.2769_2770TG[3], p.Lys925Terfs (NM_001425329.1); c.2730_2731TG[3], p.Lys912Terfs (NM_001425332.1); short protein forms K1022*, K1038*.
Identifiers: ClinVar variation 2802971 (VCV002802971.3), dbSNP rs2524731141, ClinGen allele CA2574444560.